The following is an entry in ClinVar:

NM_004563.4(PCK2):c.12G>C (p.Leu4Phe)

Genes: NRL (neural retina leucine zipper; minus strand), PCK2 (phosphoenolpyruvate carboxykinase 2, mitochondrial; plus strand). Cytogenetic location: 14q11.2.
Variant type: single nucleotide variant.
Coding change: c.12G>C on transcript NM_004563.4 (MANE Select); coding-DNA position 12, G replaced by C.
Protein change: p.Leu4Phe; replaces leucine 4 with phenylalanine.
Molecular consequence: missense variant. On other transcripts: intron variant (4), 5 prime UTR variant (2).
Genome position (GRCh38, 1-based): chr14:24,094,417, G>C. VCF-style: chr14-24094417-G-C. GRCh37 (hg19) VCF-style: chr14-24563626-G-C.
Other names: c.-352+621C>G (NM_001354769.1); c.-27-11542C>G (NM_001354770.2, NM_001354768.3); c.-253-9672C>G (NM_006177.5); c.12G>C, p.Leu4Phe (NM_001018073.3); c.-225G>C (NM_001291556.2); c.-802G>C (NM_001308054.2); short protein forms L4F.
Identifiers: ClinVar variation 2721282 (VCV002721282.4), dbSNP rs1230101778, ClinGen allele CA389192941.

ClinVar aggregate classification (germline): Uncertain significance. Review status: criteria provided, multiple submitters, no conflicts (2 of 4 stars). 2 submissions from 2 submitters: Uncertain significance (2). Last evaluated 2024-03-30.

Allele frequency attached by ClinVar (database versions not stated): gnomAD 0.00001; TOPMed 0.00002.
gnomAD v4.1: 25 of 1,561,146 alleles (0.0016%); highest among the groups gnomAD compares: Middle Eastern, 0.035%; no homozygotes.

Submissions (2):

Ambry Genetics
Classification: Uncertain significance. Last evaluated: 2024-03-30. Review status: criteria provided, single submitter. Criteria: Ambry Variant Classification Scheme 2023. Collection method: clinical testing. Allele origin: germline.

Labcorp Genetics (formerly Invitae), Labcorp
Classification: Uncertain significance. Last evaluated: 2023-10-22. Review status: criteria provided, single submitter. Criteria: Invitae Variant Classification Sherloc (09022015). Collection method: clinical testing. Allele origin: germline.
Comment: This sequence change replaces leucine, which is neutral and non-polar, with phenylalanine, which is neutral and non-polar, at codon 4 of the PCK2 protein (p.Leu4Phe). This variant is present in population databases (no rsID available, gnomAD 0.009%). This variant has not been reported in the literature in individuals affected with PCK2-related conditions. An algorithm developed to predict the effect of missense changes on protein structure and function (PolyPhen-2) suggests that this variant is likely to be tolerated. In summary, the available evidence is currently insufficient to determine the role of this variant in disease. Therefore, it has been classified as a Variant of Uncertain Significance.